The following is an entry in ClinVar:

ClinVar aggregate classification (germline): Benign. Review status: criteria provided, multiple submitters, no conflicts (2 of 4 stars). 4 submissions from 4 submitters: Benign (4). Last evaluated 2023-11-12.

Conditions:
Ataxia-telangiectasia syndrome (AT). Also called: LOUIS-BAR SYNDROME; Cerebello-oculocutaneous telangiectasia; Immunodeficiency with ataxia telangiectasia; Ataxia-telangiectasia, complementation group D; AT, COMPLEMENTATION GROUP C; ATAXIA-TELANGIECTASIA, COMPLEMENTATION GROUP A. Identifiers: Orphanet 100, MedGen C0004135, MONDO:0008840, OMIM 208900.

Allele frequency attached by ClinVar (database versions not stated): gnomAD 0.62042 and 0.62224; TOPMed 0.62306; 1000 Genomes Project 0.63019; 1000 Genomes Project 30x 0.63538.
gnomAD v4.1: 582,279 of 983,180 alleles (59%); highest among the groups gnomAD compares: Middle Eastern, 75%; 174,588 homozygotes.

Submissions (4):

Unidad de Genómica Garrahan, Hospital de Pediatría Garrahan
Classification: Benign. Last evaluated: 2023-11-12. Review status: criteria provided, single submitter. Criteria: ACMG Guidelines, 2015. Collection method: clinical testing. Allele origin: germline. Affected: no. Observed: 42 variant alleles.
Comment: This variant is classified as Benign based on local population frequency. This variant was detected in 44% of patients studied by a panel of primary immunodeficiencies. Number of patients: 42. Only high quality variants are reported.

Genome-Nilou Lab
Classification: Benign for Ataxia-telangiectasia syndrome. Last evaluated: 2021-07-01. Review status: criteria provided, single submitter. Criteria: ACMG Guidelines, 2015. Collection method: clinical testing. Allele origin: germline. Affected: no.

GeneDx
Classification: Benign. Last evaluated: 2018-06-21. Review status: criteria provided, single submitter. Criteria: GeneDx Variant Classification Process June 2021. Collection method: clinical testing. Allele origin: germline. Affected: yes.

Breakthrough Genomics
Classification: Benign. Review status: criteria provided, single submitter. Criteria: ACMG Guidelines, 2015. Collection method: not provided. Allele origin: germline. Inheritance: Autosomal recessive inheritance. Affected: yes.

NM_000051.4(ATM):c.8671+104T>C

Genes: ATM (ATM serine/threonine kinase; plus strand), C11orf65 (chromosome 11 open reading frame 65; minus strand). Cytogenetic location: 11q22.3.
Variant type: single nucleotide variant.
Coding change: c.8671+104T>C on transcript NM_000051.4 (MANE Select); 104 bases into the intron after coding-DNA position 8671, T replaced by C.
Molecular consequence: intron variant.
Genome position (GRCh38, 1-based): chr11:108,347,469, T>C. VCF-style: chr11-108347469-T-C. GRCh37 (hg19) VCF-style: chr11-108218196-T-C.
Other names: c.8671+104T>C (NM_001351834.2); c.641-38398A>G (NM_001330368.2); c.695-12177A>G (NM_001351110.2).
Identifiers: ClinVar variation 1177615 (VCV001177615.9), dbSNP rs227075, ClinGen allele CA15687569.
Genomic context (GRCh38, chr11:108,347,469, plus strand): 5'-TGGTCATCATGGAATGTTGTTTGCCTACCAAGATATTACAAATATAAGAGACAGATAAAT[T>C]GAAGCAGTAAATATTGGGTTTTTTTGTTTTCAGCATAAACAGTTGTCCTAGAAGAAACAG-3'